The following is an entry in ClinVar:

NM_001378454.1(ALMS1):c.9781+4A>G

Gene: ALMS1 (ALMS1 centrosome and basal body associated protein; plus strand). Cytogenetic location: 2p13.1.
Variant type: single nucleotide variant.
Coding change: c.9781+4A>G on transcript NM_001378454.1 (MANE Select); 4 bases into the intron after coding-DNA position 9781, A replaced by G.
Molecular consequence: intron variant.
Genome position (GRCh38, 1-based): chr2:73,520,020, A>G. VCF-style: chr2-73520020-A-G. GRCh37 (hg19) VCF-style: chr2-73747147-A-G.
Other names: c.9781+4A>G (NM_015120.4); c.9784+4A>G (NM_015120.4).
Identifiers: ClinVar variation 3857589 (VCV003857589.1).

ClinVar aggregate classification (germline): Uncertain significance (1 of 4 stars; one submission).

Conditions:
Cardiovascular phenotype. Identifiers: MedGen CN230736.

gnomAD v4.1: 2 of 1,614,116 alleles (0.00012%); highest among the groups gnomAD compares: South Asian, 0.0022%; no homozygotes.

Submission:

Ambry Genetics
Classification: Uncertain significance for Cardiovascular phenotype. Last evaluated: 2025-02-27. Review status: criteria provided, single submitter. Criteria: Ambry Variant Classification Scheme 2023. Collection method: clinical testing. Allele origin: germline.
Comment: The c.9784+4A>G intronic variant results from an A to G substitution 4 nucleotides after coding exon 11 in the ALMS1 gene. This nucleotide position is highly conserved in available vertebrate species. In silico splice site analysis predicts that this alteration will result in the creation or strengthening of a novel splice donor site. Based on the available evidence, the clinical significance of this variant remains unclear.